The following is an entry in ClinVar:

NM_001127217.3(SMAD9):c.767del (p.Leu255_Ser256insTer)

Gene: SMAD9 (SMAD family member 9; minus strand). Cytogenetic location: 13q13.3.
Variant type: Deletion.
Coding change: c.767del on transcript NM_001127217.3 (MANE Select); coding-DNA position 767, one base deleted (C; older notation c.767delC).
Protein change: p.Leu255_Ser256insTer.
Molecular consequence: nonsense. On other transcripts: intron variant (2).
Genome position (GRCh38, 1-based): chr13:36,867,287, G deleted on the plus strand (C on the coding strand, the reverse complement: SMAD9 is on the minus strand). VCF-style (leftmost placement, unchanged base first): chr13-36867286-CG-C. GRCh37 (hg19) VCF-style: chr13-37441423-CG-C.
Other names: c.671-1529del (NM_005905.6, NM_001378621.1).
Identifiers: ClinVar variation 3716791 (VCV003716791.2).
Genomic context (GRCh38, chr13:36,867,286, plus strand): 5'-AATACTTTTGGAAAATAGCTACATTTCACTGTTCATCTGCAATTTACCTCCATTTGGTAT[CG>C]ATAGCACTACATGTCTATCAGCTGTGGCATCTACAGGTTGGCCACTCTGGGTCTCAGAGG-3'

ClinVar aggregate classification (germline): Pathogenic (1 of 4 stars; one submission).

Conditions:
Pulmonary hypertension, primary, 2. Identifiers: Orphanet 422, MedGen C3888002, MONDO:0014134, OMIM 615342.

Submission:

Labcorp Genetics (formerly Invitae), Labcorp
Classification: Pathogenic for Pulmonary hypertension, primary, 2. Last evaluated: 2024-05-05. Review status: criteria provided, single submitter. Criteria: Invitae Variant Classification Sherloc (09022015). Collection method: clinical testing. Allele origin: germline.
Comment: This sequence change creates a premature translational stop signal (p.Ser256*) in the SMAD9 gene. It is expected to result in an absent or disrupted protein product. Loss-of-function variants in SMAD9 are known to be pathogenic (PMID: 19419974, 31727138). This variant is not present in population databases (gnomAD no frequency). This variant has not been reported in the literature in individuals affected with SMAD9-related conditions. Algorithms developed to predict the effect of sequence changes on RNA splicing suggest that this variant may disrupt the consensus splice site. For these reasons, this variant has been classified as Pathogenic.

Literature cited by the submitters: PubMed 19419974; PubMed 31727138.